The following is an entry in ClinVar:

NM_001145165.2(DOHH):c.478C>T (p.Arg160Cys)

Gene: DOHH (deoxyhypusine hydroxylase; minus strand). Cytogenetic location: 19p13.3.
Variant type: single nucleotide variant.
Coding change: c.478C>T on transcript NM_001145165.2 (MANE Select); coding-DNA position 478, C replaced by T.
Protein change: p.Arg160Cys; replaces arginine 160 with cysteine.
Molecular consequence: missense variant.
Genome position (GRCh38, 1-based): chr19:3,492,373, G>A on the plus strand (C>T on the coding strand, the complement: DOHH is on the minus strand). VCF-style: chr19-3492373-G-A. GRCh37 (hg19) VCF-style: chr19-3492371-G-A.
Other names: c.478C>T, p.Arg160Cys (NM_031304.5); short protein forms R160C.
Identifiers: ClinVar variation 2312278 (VCV002312278.3), dbSNP rs1034143712, ClinGen allele CA304363607.

ClinVar aggregate classification (germline): Uncertain significance. Review status: criteria provided, multiple submitters, no conflicts (2 of 4 stars). 2 submissions from 2 submitters: Uncertain significance (2). Last evaluated 2024-10-17.

Conditions:
Neurodevelopmental disorder with microcephaly, cerebral atrophy, and visual impairment (NEDMVIC). Identifiers: MedGen C5774225, MONDO:0859293, OMIM 620066.

Allele frequency attached by ClinVar (database versions not stated): TOPMed 0.00001.

Submissions (2):

3billion
Classification: Uncertain significance for Neurodevelopmental disorder with microcephaly, cerebral atrophy, and visual impairment. Last evaluated: 2024-10-17. Review status: criteria provided, single submitter. Criteria: ACMG Guidelines, 2015. Collection method: clinical testing. Allele origin: germline. Affected: yes.
Comment: The variant is observed at an extremely low frequency in the gnomAD v4.1.0 dataset (total allele frequency: 0.002%). Predicted Consequence/Location: Missense variant The variant has been reported as of uncertain significance (ClinVar ID: VCV002312278, VCV002223280). Therefore, this variant is classified as VUS according to the recommendation of ACMG/AMP guideline.

Ambry Genetics
Classification: Uncertain significance. Last evaluated: 2022-09-14. Review status: criteria provided, single submitter. Criteria: Ambry Variant Classification Scheme 2023. Collection method: clinical testing. Allele origin: germline.